The following is an entry in ClinVar:

NM_004415.4(DSP):c.6920A>G (p.Asn2307Ser)

Gene: DSP (desmoplakin; plus strand). Cytogenetic location: 6p24.3.
Variant type: single nucleotide variant.
Coding change: c.6920A>G on transcript NM_004415.4 (MANE Select); coding-DNA position 6920, A replaced by G.
Protein change: p.Asn2307Ser; replaces asparagine 2307 with serine.
Molecular consequence: missense variant.
Genome position (GRCh38, 1-based): chr6:7,584,182, A>G. VCF-style: chr6-7584182-A-G. GRCh37 (hg19) VCF-style: chr6-7584415-A-G.
Other names: c.5123A>G, p.Asn1708Ser (NM_001008844.3); c.5591A>G, p.Asn1864Ser (NM_001319034.2); short protein forms N1708S, N1864S, N2307S.
Identifiers: ClinVar variation 3386709 (VCV003386709.1).
Genomic context (GRCh38, chr6:7,584,182, plus strand): 5'-CTGCTCTGGAGTTGCTGGAAGCCCAAGCAGCTACTGGCTTTATAGTGGATCCTGTTAGCA[A>G]CTTGAGGTTACCAGTGGAGGAAGCCTACAAGAGAGGTCTGGTGGGCATTGAGTTCAAAGA-3'
Protein context (NP_004406.2, residues 2297-2317): ATGFIVDPVS[Asn2307Ser]LRLPVEEAYK

ClinVar aggregate classification (germline): Uncertain significance (1 of 4 stars; one submission).

Conditions:
Arrhythmogenic cardiomyopathy with wooly hair and keratoderma. Also called: Carvajal syndrome; PALMOPLANTAR KERATODERMA WITH LEFT VENTRICULAR CARDIOMYOPATHY AND WOOLLY HAIR; Dilated cardiomyopathy with woolly hair and keratoderma; Arrhythmogenic cardiomyopathy with woolly hair and keratoderma. Identifiers: Orphanet 65282, MedGen C1854063, MONDO:0011581, OMIM 605676.

Submission:

All of Us Research Program, National Institutes of Health
Classification: Uncertain significance for Arrhythmogenic cardiomyopathy with wooly hair and keratoderma. Last evaluated: 2024-08-06. Review status: criteria provided, single submitter. Criteria: ACMG Guidelines, 2015. Collection method: clinical testing. Allele origin: germline. Inheritance: Autosomal dominant inheritance. Observed: 1 variant allele, 1 heterozygote.
Comment: This study involves interpretation of variants in research participants for the purpose of population health screening. Participant phenotype was not available at the time of variant classification. Additional details can be found in publication PMID: 35346344, PMCID: PMC8962531